The following is an entry in ClinVar:

ClinVar aggregate classification (germline): Conflicting classifications of pathogenicity. Review status: criteria provided, conflicting classifications (1 of 4 stars). 4 submissions from 4 submitters: Uncertain significance (1); Likely benign (3). Last evaluated 2026-03-11.

Conditions:
Inborn genetic diseases. Identifiers: MedGen C0950123, MeSH D030342.
PKD1-related disorder. Also called: PKD1-related condition.
Polycystic kidney disease, adult type (PKD1). Also called: Polycystic Kidney Disease 1, Autosomal Dominant; Polycystic kidney disease 1; Polycystic kidney disease 1, severe; POLYCYSTIC KIDNEY DISEASE, ADULT, TYPE I; Polycystic Kidney, Autosomal Dominant; POLYCYSTIC KIDNEY DISEASE 1 WITH OR WITHOUT POLYCYSTIC LIVER DISEASE. Identifiers: MedGen C3149841, MONDO:0008263, OMIM 173900.

Allele frequency attached by ClinVar (database versions not stated): ESP Exome Variant Server 0.00015; 1000 Genomes Project 30x 0.00016; 1000 Genomes Project 0.00020; TOPMed 0.00023; gnomAD 0.00027 and 0.00029.
gnomAD v4.1: 139 of 1,612,014 alleles (0.0086%); highest among the groups gnomAD compares: African/African-American, 0.071%; no homozygotes.

Submissions (4):

PreventionGenetics, part of Exact Sciences
Classification: Likely benign for PKD1-related condition. Last evaluated: 2026-03-11. Review status: criteria provided, single submitter. Criteria: ACMG Guidelines, 2015. Collection method: clinical testing. Allele origin: germline.
Comment: This variant is classified as likely benign based on ACMG/AMP sequence variant interpretation guidelines (Richards et al. 2015 PMID: 25741868, with internal and published modifications).

Women's Health and Genetics/Laboratory Corporation of America, LabCorp
Classification: Uncertain significance. Last evaluated: 2026-01-09. Review status: criteria provided, single submitter. Criteria: LabCorp Variant Classification Summary - May 2015. Collection method: clinical testing. Allele origin: germline.
Comment: Variant summary: PKD1 c.4657G>A (p.Val1553Ile) results in a conservative amino acid change in the encoded protein sequence. Algorithms developed to predict the effect of missense changes on protein structure and function all suggest that this variant is likely to be tolerated. The variant allele was found at a frequency of 7.3e-05 in 248206 control chromosomes. This frequency is not significantly higher than estimated for disease-causing variants in PKD1, allowing no conclusion about variant significance. To our knowledge, no occurrence of c.4657G>A in individuals affected with PKD1-related conditions and no experimental evidence demonstrating its impact on protein function have been reported. ClinVar contains an entry for this variant (Variation ID: 811141). Based on the evidence outlined above, the variant was classified as uncertain significance.

Ambry Genetics
Classification: Likely benign for Inborn genetic diseases. Last evaluated: 2023-08-21. Review status: criteria provided, single submitter. Criteria: Ambry Variant Classification Scheme 2023. Collection method: clinical testing. Allele origin: germline.

ARUP Laboratories, Molecular Genetics and Genomics, ARUP Laboratories
Classification: Likely benign for Polycystic kidney disease, adult type. Last evaluated: 2018-11-17. Review status: criteria provided, single submitter. Criteria: ARUP Molecular Germline Variant Investigation Process. Collection method: clinical testing. Allele origin: germline.

NM_001009944.3(PKD1):c.4657G>A (p.Val1553Ile)

Gene: PKD1 (polycystin 1, transient receptor potential channel interacting; minus strand). Cytogenetic location: 16p13.3.
Variant type: single nucleotide variant.
Coding change: c.4657G>A on transcript NM_001009944.3 (MANE Select); coding-DNA position 4657, G replaced by A.
Protein change: p.Val1553Ile; replaces valine 1553 with isoleucine.
Molecular consequence: missense variant.
Genome position (GRCh38, 1-based): chr16:2,110,510, C>T on the plus strand (G>A on the coding strand, the complement: PKD1 is on the minus strand). VCF-style: chr16-2110510-C-T. GRCh37 (hg19) VCF-style: chr16-2160511-C-T.
Other names: c.4657G>A (NM_001009944.2, NM_000296.3); c.4657G>A, p.Val1553Ile (NM_000296.4); short protein forms V1553I.
Identifiers: ClinVar variation 811141 (VCV000811141.14), dbSNP rs200049385, ClinGen allele CA7832299.